The following is an entry in ClinVar:

NM_001330701.2(AGTPBP1):c.3407G>A (p.Arg1136His)

Gene: AGTPBP1 (ATP/GTP binding carboxypeptidase 1; minus strand). Cytogenetic location: 9q21.33.
Variant type: single nucleotide variant.
Coding change: c.3407G>A on transcript NM_001330701.2 (MANE Select); coding-DNA position 3407, G replaced by A.
Protein change: p.Arg1136His; replaces arginine 1136 with histidine.
Molecular consequence: missense variant.
Genome position (GRCh38, 1-based): chr9:85,575,411, C>T on the plus strand (G>A on the coding strand, the complement: AGTPBP1 is on the minus strand). VCF-style: chr9-85575411-C-T. GRCh37 (hg19) VCF-style: chr9-88190326-C-T.
Other names: c.3563G>A, p.Arg1188His (NM_001286715.1); c.3443G>A, p.Arg1148His (NM_001286717.1); c.3287G>A, p.Arg1096His (NM_015239.3); c.3287G>A (NM_015239.2); short protein forms R1096H, R1136H, R1148H, R1188H.
Identifiers: ClinVar variation 3768300 (VCV003768300.2).

ClinVar aggregate classification (germline): Uncertain significance. Review status: criteria provided, multiple submitters, no conflicts (2 of 4 stars). 2 submissions from 2 submitters: Uncertain significance (2). Last evaluated 2025-07-02.

Conditions:
Inborn genetic diseases. Identifiers: MedGen C0950123, MeSH D030342.

gnomAD v4.1: 49 of 1,610,550 alleles (0.003%); highest among the groups gnomAD compares: Middle Eastern, 0.049%; no homozygotes.

Submissions (2):

Ambry Genetics
Classification: Uncertain significance for Inborn genetic diseases. Last evaluated: 2025-07-02. Review status: criteria provided, single submitter. Criteria: Ambry Variant Classification Scheme 2023. Collection method: clinical testing. Allele origin: germline.

Women's Health and Genetics/Laboratory Corporation of America, LabCorp
Classification: Uncertain significance. Last evaluated: 2024-12-03. Review status: criteria provided, single submitter. Criteria: LabCorp Variant Classification Summary - May 2015. Collection method: clinical testing. Allele origin: germline.
Comment: Variant summary: AGTPBP1 c.3407G>A (p.Arg1136His) results in a non-conservative amino acid change located in the Peptidase M14-like domain (IPR033852) of the encoded protein sequence. Three of five in-silico tools predict a benign effect of the variant on protein function. The variant allele was found at a frequency of 4e-05 in 248626 control chromosomes, predominantly at a frequency of 8.8e-05 within the Non-Finnish European subpopulation in the gnomAD database. This frequency is not significantly higher than estimated for a pathogenic variant in AGTPBP1 causing Neurodegeneration, Childhood-Onset, With Cerebellar Atrophy, allowing no conclusion about variant significance. To our knowledge, no occurrence of c.3407G>A in individuals affected with Neurodegeneration, Childhood-Onset, With Cerebellar Atrophy and no experimental evidence demonstrating its impact on protein function have been reported. No submitters have cited clinical-significance assessments for this variant to ClinVar. Based on the evidence outlined above, the variant was classified as uncertain significance.